The following is an entry in ClinVar:

ClinVar aggregate classification (germline): Likely benign (1 of 4 stars; one submission).

Submission:

CeGaT Center for Human Genetics Tuebingen
Classification: Likely benign. Last evaluated: 2026-07-01. Review status: criteria provided, single submitter. Criteria: CeGaT Center For Human Genetics Tuebingen Variant Classification Criteria Version 2. Collection method: clinical testing. Allele origin: germline. Affected: yes. Observed: 1 variant allele.
Comment: MUC4: BP4, BP7

NM_018406.7(MUC4):c.8142C>T (p.Tyr2714=)

Gene: MUC4 (mucin 4, cell surface associated). Cytogenetic location: 3q29.
Variant type: single nucleotide variant.
Coding change: c.8142C>T on transcript NM_018406.7 (MANE Select); coding-DNA position 8142, C replaced by T.
Protein change: p.Tyr2714=; no amino-acid change (tyrosine 2714 retained).
Molecular consequence: synonymous variant. On other transcripts: intron variant (2).
Genome position (GRCh38, 1-based): chr3:195,783,438, G>A on the plus strand (C>T on the coding strand, the complement: MUC4 is on the minus strand). VCF-style: chr3-195783438-G-A. GRCh37 (hg19) VCF-style: chr3-195510309-G-A.
Other names: c.83-9133C>T (NM_138297.5); c.83-4983C>T (NM_004532.6).
Identifiers: ClinVar variation 5039048 (VCV005039048.1).